The following is an entry in ClinVar:

ClinVar aggregate classification (germline): Uncertain significance (1 of 4 stars; one submission).

Submission:

Labcorp Genetics (formerly Invitae), Labcorp
Classification: Uncertain significance. Last evaluated: 2024-05-07. Review status: criteria provided, single submitter. Criteria: Invitae Variant Classification Sherloc (09022015). Collection method: clinical testing. Allele origin: germline.
Comment: This sequence change replaces arginine, which is basic and polar, with serine, which is neutral and polar, at codon 1239 of the CASZ1 protein (p.Arg1239Ser). This variant is not present in population databases (gnomAD no frequency). This variant has not been reported in the literature in individuals affected with CASZ1-related conditions. An algorithm developed to predict the effect of missense changes on protein structure and function (PolyPhen-2) suggests that this variant is likely to be disruptive. In summary, the available evidence is currently insufficient to determine the role of this variant in disease. Therefore, it has been classified as a Variant of Uncertain Significance.

NM_001079843.3(CASZ1):c.3715C>A (p.Arg1239Ser)

Gene: CASZ1 (castor zinc finger 1; minus strand). Cytogenetic location: 1p36.22.
Variant type: single nucleotide variant.
Coding change: c.3715C>A on transcript NM_001079843.3 (MANE Select); coding-DNA position 3715, C replaced by A.
Protein change: p.Arg1239Ser; replaces arginine 1239 with serine.
Molecular consequence: missense variant.
Genome position (GRCh38, 1-based): chr1:10,645,070, G>T on the plus strand (C>A on the coding strand, the complement: CASZ1 is on the minus strand). VCF-style: chr1-10645070-G-T. GRCh37 (hg19) VCF-style: chr1-10705127-G-T.
Other names: short protein forms R1239S.
Identifiers: ClinVar variation 3652481 (VCV003652481.2).